The following is an entry in ClinVar:

ClinVar aggregate classification (germline): Likely benign (1 of 4 stars; one submission).

Conditions:
Familial cancer of breast. Also called: Hereditary breast cancer; BREAST CANCER, FAMILIAL; hereditary breast carcinoma. Identifiers: Orphanet 227535, MedGen C0346153, MONDO:0016419, OMIM 114480. Disease mechanism: loss of function.

gnomAD v4.1: 1 of 1,561,180 alleles (0.000064%); highest among the groups gnomAD compares: Non-Finnish European, 0.000088%; no homozygotes.

Submission:

Myriad Genetics, Inc.
Classification: Likely benign for Familial cancer of breast. Last evaluated: 2024-10-03. Review status: criteria provided, single submitter. Criteria: Myriad Autosomal Dominant, Autosomal Recessive and X-Linked Classification Criteria (2023). Collection method: clinical testing. Allele origin: unknown.
Comment: This variant is considered likely benign. This variant is intronic and is not expected to impact mRNA splicing.

NM_007194.4(CHEK2):c.684-19T>C

Gene: CHEK2 (checkpoint kinase 2; minus strand). Cytogenetic location: 22q12.1.
Variant type: single nucleotide variant.
Coding change: c.684-19T>C on transcript NM_007194.4 (MANE Select); 19 bases into the intron before coding-DNA position 684, T replaced by C.
Molecular consequence: intron variant.
Genome position (GRCh38, 1-based): chr22:28,712,036, A>G on the plus strand (T>C on the coding strand, the complement: CHEK2 is on the minus strand). VCF-style: chr22-28712036-A-G. GRCh37 (hg19) VCF-style: chr22-29108024-A-G.
Other names: c.21-19T>C (NM_001437942.1, NM_001257387.3); c.483-19T>C (NM_001349956.3); c.684-19T>C (NM_145862.3); c.777-19T>C (NM_001438295.1, NM_001438293.1); c.813-19T>C (NM_001438294.1, NM_001005735.3).
Identifiers: ClinVar variation 3773630 (VCV003773630.1).